The following is an entry in ClinVar:

NM_000059.4(BRCA2):c.3205_3206insTAATTGCAGTCAATTAATA (p.Ser1069delinsLeuIleAlaValAsnTer)

Gene: BRCA2 (BRCA2 DNA repair associated; plus strand). Cytogenetic location: 13q13.1.
Variant type: Insertion.
Coding change: c.3205_3206insTAATTGCAGTCAATTAATA on transcript NM_000059.4 (MANE Select); coding-DNA positions 3205 to 3206, TAATTGCAGTCAATTAATA inserted.
Protein change: p.Ser1069delinsLeuIleAlaValAsnTer.
Molecular consequence: nonsense.
Genome position: GRCh38 VCF-style: chr13-32337560-T-TTAATTGCAGTCAATTAATA. GRCh37 (hg19) VCF-style: chr13-32911697-T-TTAATTGCAGTCAATTAATA.
Identifiers: ClinVar variation 421956 (VCV000421956.6), dbSNP rs1064795469, ClinGen allele CA16619691.

ClinVar aggregate classification (germline): Pathogenic. Review status: criteria provided, multiple submitters, no conflicts (2 of 4 stars). 3 submissions from 3 submitters: Pathogenic (3). Last evaluated 2025-07-20.

Conditions:
Breast-ovarian cancer, familial, susceptibility to, 2 (BROVCA2). Also called: BRCA2 Hereditary Breast and Ovarian Cancer. Identifiers: Orphanet 145, MedGen C2675520, MONDO:0012933, OMIM 612555. Disease mechanism: loss of function.
Hereditary breast ovarian cancer syndrome. Also called: Hereditary breast and ovarian cancer syndrome; BRCA1- and BRCA2-Associated Hereditary Breast and Ovarian Cancer; Hereditary breast and/or ovarian cancer syndrome; Hereditary breast and ovarian cancer; Breast and ovarian cancer; Hereditary breast and ovarian cancer syndrome (HBOC). Identifiers: Orphanet 145, MedGen C0677776, MeSH D061325, MONDO:0003582. Disease mechanism: loss of function.

Submissions (3):

Labcorp Genetics (formerly Invitae), Labcorp
Classification: Pathogenic for Hereditary breast ovarian cancer syndrome. Last evaluated: 2025-07-20. Review status: criteria provided, single submitter. Criteria: Invitae Variant Classification Sherloc (09022015). Collection method: clinical testing. Allele origin: germline.
Comment: This sequence change creates a premature translational stop signal (p.Ser1069Leufs*6) in the BRCA2 gene. It is expected to result in an absent or disrupted protein product. Loss-of-function variants in BRCA2 are known to be pathogenic (PMID: 20104584). This variant is not present in population databases (gnomAD no frequency). This variant has not been reported in the literature in individuals affected with BRCA2-related conditions. ClinVar contains an entry for this variant (Variation ID: 421956). For these reasons, this variant has been classified as Pathogenic.

Myriad Genetics, Inc.
Classification: Pathogenic for Breast-ovarian cancer, familial, susceptibility to, 2. Last evaluated: 2023-05-12. Review status: criteria provided, single submitter. Criteria: Myriad Autosomal Dominant, Autosomal Recessive and X-Linked Classification Criteria (2023). Collection method: clinical testing. Allele origin: unknown.
Comment: This variant is considered pathogenic. This variant creates a frameshift predicted to result in premature protein truncation.

GeneDx
Classification: Pathogenic. Last evaluated: 2017-03-01. Review status: criteria provided, single submitter. Criteria: GeneDx Variant Classification (06012015). Collection method: clinical testing. Allele origin: germline. Affected: yes.
Comment: This insertion of 19 nucleotides in BRCA2 is denoted c.3205_3206ins19 at the cDNA level and p.Ser1069LeufsX6 (S1069LfsX6) at the protein level. The surrounding sequence is GTAT[ins19]CTGC. The insertion causes a frameshift which changes a Serine to a Leucine at codon 1069, and creates a premature stop codon at position 6 of the new reading frame. Although this variant has not, to our knowledge, been reported in the literature, it is predicted to cause loss of normal protein function through either protein truncation or nonsense-mediated mRNA decay. We consider this variant to be pathogenic.

Literature cited by the submitters: PubMed 20104584 (cited by Labcorp Genetics (formerly Invitae), Labcorp).